The following is an entry in ClinVar:

ClinVar aggregate classification (germline): Uncertain significance (1 of 4 stars; one submission).

Conditions:
Idiopathic generalized epilepsy. Also called: Generalised epilepsy; EIG. Identifiers: MedGen C0270850, MONDO:0005579, OMIM 600669.
Hyperaldosteronism, familial, type IV (HALD4). Also called: FH IV; ALDOSTERONISM, PRIMARY, AND HYPERTENSION. Identifiers: Orphanet 642671, MedGen C4310756, MONDO:0014875, OMIM 617027.

Allele frequency attached by ClinVar (database versions not stated): gnomAD exomes below 0.00001.

Submission:

Labcorp Genetics (formerly Invitae), Labcorp
Classification: Uncertain significance for Idiopathic generalized epilepsy; Hyperaldosteronism, familial, type IV. Last evaluated: 2021-12-12. Review status: criteria provided, single submitter. Criteria: Invitae Variant Classification Sherloc (09022015). Collection method: clinical testing. Allele origin: germline.
Comment: This sequence change replaces methionine, which is neutral and non-polar, with isoleucine, which is neutral and non-polar, at codon 1717 of the CACNA1H protein (p.Met1717Ile). In summary, the available evidence is currently insufficient to determine the role of this variant in disease. Therefore, it has been classified as a Variant of Uncertain Significance. Algorithms developed to predict the effect of missense changes on protein structure and function are either unavailable or do not agree on the potential impact of this missense change (SIFT: "Deleterious"; PolyPhen-2: "Probably Damaging"; Align-GVGD: "Class C0"). This variant has not been reported in the literature in individuals affected with CACNA1H-related conditions. This variant is not present in population databases (gnomAD no frequency).

NM_021098.3(CACNA1H):c.5151G>A (p.Met1717Ile)

Gene: CACNA1H (calcium voltage-gated channel subunit alpha1 H; plus strand). Cytogenetic location: 16p13.3.
Variant type: single nucleotide variant.
Coding change: c.5151G>A on transcript NM_021098.3 (MANE Select); coding-DNA position 5151, G replaced by A.
Protein change: p.Met1717Ile; replaces methionine 1717 with isoleucine.
Molecular consequence: missense variant.
Genome position (GRCh38, 1-based): chr16:1,215,353, G>A. VCF-style: chr16-1215353-G-A. GRCh37 (hg19) VCF-style: chr16-1265353-G-A.
Other names: c.5133G>A, p.Met1711Ile (NM_001005407.2); short protein forms M1711I, M1717I.
Identifiers: ClinVar variation 1934991 (VCV001934991.5), dbSNP rs1969927569, ClinGen allele CA394146530.